The following is an entry in ClinVar:

NM_000252.3(MTM1):c.584G>T (p.Cys195Phe)

Gene: MTM1 (myotubularin 1; plus strand). Cytogenetic location: Xq28.
Variant type: single nucleotide variant.
Coding change: c.584G>T on transcript NM_000252.3 (MANE Select); coding-DNA position 584, G replaced by T.
Protein change: p.Cys195Phe; replaces cysteine 195 with phenylalanine.
Molecular consequence: missense variant.
Genome position (GRCh38, 1-based): chrX:150,641,324, G>T. VCF-style: chrX-150641324-G-T. GRCh37 (hg19) VCF-style: chrX-149809797-G-T.
Other names: c.584G>T, p.Cys195Phe (NM_001376906.1, NM_001376908.1); c.473G>T, p.Cys158Phe (NM_001376907.1); short protein forms C158F, C195F.
Identifiers: ClinVar variation 4086767 (VCV004086767.1).

ClinVar aggregate classification (germline): Uncertain significance (1 of 4 stars; one submission).

Submission:

GeneDx
Classification: Uncertain significance. Last evaluated: 2025-03-18. Review status: criteria provided, single submitter. Criteria: GeneDx Variant Classification Process June 2021. Collection method: clinical testing. Allele origin: germline. Affected: yes.
Comment: Not observed at significant frequency in large population cohorts (gnomAD); In silico analysis supports that this missense variant has a deleterious effect on protein structure/function; Has not been previously published as pathogenic or benign to our knowledge